The following is an entry in ClinVar:

ClinVar aggregate classification (germline): Uncertain significance (1 of 4 stars; one submission).

gnomAD v4.1: 20 of 1,613,550 alleles (0.0012%); highest among the groups gnomAD compares: Non-Finnish European, 0.0016%; no homozygotes.

Submission:

Mayo Clinic Laboratories, Mayo Clinic
Classification: Uncertain significance. Last evaluated: 2025-05-15. Review status: criteria provided, single submitter. Criteria: ACMG Guidelines, 2015. Collection method: clinical testing. Allele origin: germline. Observed: 1 variant allele.
Comment: PM2_supporting

NM_207111.4(RNF216):c.2048C>T (p.Pro683Leu)

Gene: RNF216 (ring finger protein 216; minus strand). Cytogenetic location: 7p22.1.
Variant type: single nucleotide variant.
Coding change: c.2048C>T on transcript NM_207111.4 (MANE Select); coding-DNA position 2048, C replaced by T.
Protein change: p.Pro683Leu; replaces proline 683 with leucine.
Molecular consequence: missense variant.
Genome position (GRCh38, 1-based): chr7:5,711,774, G>A on the plus strand (C>T on the coding strand, the complement: RNF216 is on the minus strand). VCF-style: chr7-5711774-G-A. GRCh37 (hg19) VCF-style: chr7-5751405-G-A.
Other names: p.Pro683Leu; c.1877C>T, p.Pro626Leu (NM_001377156.1, NM_207116.3); short protein forms P683L, P626L.
Identifiers: ClinVar variation 4541264 (VCV004541264.1).